The following is an entry in ClinVar:

NM_001111125.3(IQSEC2):c.731C>T (p.Thr244Ile)

Gene: IQSEC2 (IQ motif and Sec7 domain ArfGEF 2; minus strand). Cytogenetic location: Xp11.22.
Variant type: single nucleotide variant.
Coding change: c.731C>T on transcript NM_001111125.3 (MANE Select); coding-DNA position 731, C replaced by T.
Protein change: p.Thr244Ile; replaces threonine 244 with isoleucine.
Molecular consequence: missense variant.
Genome position (GRCh38, 1-based): chrX:53,291,901, G>A on the plus strand (C>T on the coding strand, the complement: IQSEC2 is on the minus strand). VCF-style: chrX-53291901-G-A. GRCh37 (hg19) VCF-style: chrX-53321083-G-A.
Other names: c.731C>T, p.Thr244Ile (NM_001410736.1, NM_001441092.1); short protein forms T244I.
Identifiers: ClinVar variation 4801027 (VCV004801027.1).
Genomic context (GRCh38, chrX:53,291,901, plus strand): 5'-CACCCCAGGCCCTGCCCCATCTCCCAACTAGTACTAAAGAAAGGAGGTACTGACCTGACT[G>A]TTCTGGAATTCTCACCATCAGATCTGAAAGGGAAACAGAGAAAAAAAACCAAAACGGTCA-3'
Protein context (NP_001104595.1, residues 234-254): QRKSDGENSR[Thr244Ile]VSVEGDAPGS

ClinVar aggregate classification (germline): Uncertain significance (1 of 4 stars; one submission).

Conditions:
Intellectual developmental disorder, X-linked 1. Also called: Atkin Flaitz Patil Smith syndrome; MENTAL RETARDATION, X-LINKED 18; MENTAL RETARDATION, X-LINKED 78; Intellectual disability, X-linked 1. Identifiers: Orphanet 777, MedGen C2931498, MONDO:0010656, OMIM 309530.

Submission:

Labcorp Genetics (formerly Invitae), Labcorp
Classification: Uncertain significance for Intellectual developmental disorder, X-linked 1. Last evaluated: 2025-09-17. Review status: criteria provided, single submitter. Criteria: Invitae Variant Classification Sherloc (09022015). Collection method: clinical testing. Allele origin: germline.
Comment: This sequence change replaces threonine, which is neutral and polar, with isoleucine, which is neutral and non-polar, at codon 244 of the IQSEC2 protein (p.Thr244Ile). This variant is not present in population databases (gnomAD no frequency). This variant has not been reported in the literature in individuals affected with IQSEC2-related conditions. Invitae Evidence Modeling of protein sequence and biophysical properties (such as structural, functional, and spatial information, amino acid conservation, physicochemical variation, residue mobility, and thermodynamic stability) indicates that this missense variant is not expected to disrupt IQSEC2 protein function with a negative predictive value of 95%. In summary, the available evidence is currently insufficient to determine the role of this variant in disease. Therefore, it has been classified as a Variant of Uncertain Significance.